The following is an entry in ClinVar:

NM_017736.5(THUMPD1):c.706C>T (p.Gln236Ter)

Genes: ACSM3 (acyl-CoA synthetase medium chain family member 3; plus strand), THUMPD1 (THUMP domain 1 NAT10 acetyltransferase adaptor; minus strand). Cytogenetic location: 16p12.3.
Variant type: single nucleotide variant.
Coding change: c.706C>T on transcript NM_017736.5 (MANE Select); coding-DNA position 706, C replaced by T.
Protein change: p.Gln236Ter; replaces glutamine 236 with a stop codon.
Molecular consequence: nonsense.
Genome position (GRCh38, 1-based): chr16:20,737,236, G>A on the plus strand (C>T on the coding strand, the complement: THUMPD1 is on the minus strand). VCF-style: chr16-20737236-G-A. GRCh37 (hg19) VCF-style: chr16-20748558-G-A.
Other names: c.706C>T, p.Gln236Ter (NM_001304550.2); short protein forms Q236*.
Identifiers: ClinVar variation 1333096 (VCV001333096.6), dbSNP rs778649204, ClinGen allele CA7943387.

ClinVar aggregate classification (germline): Conflicting classifications of pathogenicity. Review status: criteria provided, conflicting classifications (1 of 4 stars). 4 submissions from 4 submitters: Pathogenic (1); Likely pathogenic (1); Uncertain significance (1). 1 of the submissions does not count toward it. Last evaluated 2023-12-01.

Conditions:
Inborn genetic diseases. Identifiers: MedGen C0950123, MeSH D030342.
Neurodevelopmental disorder with speech delay and variable ocular anomalies (NEDSOA). Identifiers: MedGen C5774194, MONDO:0859272, OMIM 619989.
Neurodevelopmental disorder. Identifiers: MedGen C1535926, MeSH D065886, MONDO:0700092.

Allele frequency attached by ClinVar (database versions not stated): gnomAD exomes 0.00001 and 0.00002; ExAC 0.00002.
gnomAD v4.1: 17 of 1,614,092 alleles (0.0011%); highest among the groups gnomAD compares: South Asian, 0.019%; no homozygotes.

Submissions (4):

Ambry Genetics
Classification: Likely pathogenic for Inborn genetic diseases. Last evaluated: 2023-12-01. Review status: criteria provided, single submitter. Criteria: Ambry Variant Classification Scheme 2023. Collection method: clinical testing. Allele origin: germline.
Comment: The c.706C>T (p.Q236*) alteration, located in exon 4 (coding exon 4) of the THUMPD1 gene, consists of a C to T substitution at nucleotide position 706. This changes the amino acid from a glutamine (Q) to a stop codon at amino acid position 236. This alteration occurs at the 3' terminus of the THUMPD1 gene, is not expected to trigger nonsense-mediated mRNA decay, and impacts the last 33% of the protein. Premature stop codons are typically deleterious in nature and a significant portion of the protein is affected. Based on data from gnomAD, the T allele has an overall frequency of 0.002% (5/250234) total alleles studied. The highest observed frequency was 0.016% (5/30606) of South Asian alleles. This variant has been reported homozygous in multiple individuals with features consistent with THUMPD1-related neurodevelopmental disorder (Maddirevula, 2019; Broly, 2022). Based on the available evidence, this alteration is classified as likely pathogenic.

Laboratory of Molecular Genetics (Pr. Bezieau's lab), CHU de Nantes
Classification: Pathogenic for Neurodevelopmental disorder. Last evaluated: 2021-12-15. Review status: criteria provided, single submitter. Criteria: ACMG Guidelines, 2015. Collection method: research. Allele origin: inherited. Affected: yes.

Revvity Omics, Revvity
Classification: Uncertain significance for Neurodevelopmental disorder with speech delay and variable ocular anomalies. Last evaluated: 2021-01-27. Review status: criteria provided, single submitter. Criteria: ACMG Guidelines, 2015. Collection method: clinical testing. Allele origin: germline.

OMIM
Classification: Pathogenic for NEURODEVELOPMENTAL DISORDER WITH SPEECH DELAY AND VARIABLE OCULAR ANOMALIES ANOMALIES. Last evaluated: 2022-08-10. Review status: no assertion criteria provided. Collection method: literature only. Allele origin: germline. Not counted in ClinVar's aggregate classification.

Literature cited by the submitters: PubMed 30237576 (cited by Ambry Genetics and OMIM); PubMed 35196516 (cited by Ambry Genetics and OMIM).